The following is an entry in ClinVar:

NM_139319.3(SLC17A8):c.914C>T (p.Thr305Ile)

Gene: SLC17A8 (solute carrier family 17 member 8; plus strand). Cytogenetic location: 12q23.1.
Variant type: single nucleotide variant.
Coding change: c.914C>T on transcript NM_139319.3 (MANE Select); coding-DNA position 914, C replaced by T.
Protein change: p.Thr305Ile; replaces threonine 305 with isoleucine.
Molecular consequence: missense variant. On other transcripts: intron variant (1).
Genome position (GRCh38, 1-based): chr12:100,402,606, C>T. VCF-style: chr12-100402606-C-T. GRCh37 (hg19) VCF-style: chr12-100796384-C-T.
Other names: c.914C>T (NM_139319.2); c.903+127C>T (NM_001145288.2); short protein forms T305I.
Identifiers: ClinVar variation 3768568 (VCV003768568.2).

ClinVar aggregate classification (germline): Uncertain significance. Review status: criteria provided, multiple submitters, no conflicts (2 of 4 stars). 2 submissions from 2 submitters: Uncertain significance (2). Last evaluated 2025-05-21.

Conditions:
SLC17A8-related disorder. Also called: SLC17A8-related condition.

gnomAD v4.1: 34 of 1,613,730 alleles (0.0021%); highest among the groups gnomAD compares: African/African-American, 0.039%; no homozygotes.

Submissions (2):

PreventionGenetics, part of Exact Sciences
Classification: Uncertain significance for SLC17A8-related condition. Last evaluated: 2025-05-21. Review status: criteria provided, single submitter. Criteria: ACMG Guidelines, 2015. Collection method: clinical testing. Allele origin: germline.
Comment: The SLC17A8 c.914C>T variant is predicted to result in the amino acid substitution p.Thr305Ile. To our knowledge, this variant has not been reported in the literature. This variant is reported in 0.052% of alleles in individuals of African descent in gnomAD. Although we suspect that this variant may be benign, at this time, the clinical significance of this variant is uncertain due to the absence of conclusive functional and genetic evidence.

Women's Health and Genetics/Laboratory Corporation of America, LabCorp
Classification: Uncertain significance. Last evaluated: 2024-12-17. Review status: criteria provided, single submitter. Criteria: LabCorp Variant Classification Summary - May 2015. Collection method: clinical testing. Allele origin: germline.
Comment: Variant summary: SLC17A8 c.914C>T (p.Thr305Ile) results in a non-conservative amino acid change located in the major facilitator superfamily domain (IPR020846) of the encoded protein sequence. Three of five in-silico tools predict a benign effect of the variant on protein function. The variant allele was found at a frequency of 2.4e-05 in 250616 control chromosomes (gnomAD). The available data on variant occurrences in the general population are insufficient to allow any conclusion about variant significance. To our knowledge, no occurrence of c.914C>T in individuals affected with Autosomal Dominant Nonsyndromic Hearing Loss 25 and no experimental evidence demonstrating its impact on protein function have been reported. No submitters have cited clinical-significance assessments for this variant to ClinVar. Based on the evidence outlined above, the variant was classified as uncertain significance.